The following is an entry in ClinVar:

ClinVar aggregate classification (germline): Uncertain significance. Review status: criteria provided, multiple submitters, no conflicts (2 of 4 stars). 3 submissions from 3 submitters: Uncertain significance (3). Last evaluated 2025-06-29.

Conditions:
Brugada syndrome 6 (BRGDA6). Identifiers: Orphanet 130, MedGen C2751089, MONDO:0013145, OMIM 613119.
Cardiovascular phenotype. Identifiers: MedGen CN230736.

Allele frequency attached by ClinVar (database versions not stated): ExAC 0.00001; gnomAD exomes 0.00001 and 0.00003; gnomAD 0.00002; TOPMed 0.00002.

Submissions (3):

Ambry Genetics
Classification: Uncertain significance for Cardiovascular phenotype. Last evaluated: 2025-06-29. Review status: criteria provided, single submitter. Criteria: Ambry Variant Classification Scheme 2023. Collection method: clinical testing. Allele origin: germline.

Labcorp Genetics (formerly Invitae), Labcorp
Classification: Uncertain significance for Brugada syndrome 6. Last evaluated: 2025-05-11. Review status: criteria provided, single submitter. Criteria: Invitae Variant Classification Sherloc (09022015). Collection method: clinical testing. Allele origin: germline.
Comment: This sequence change replaces arginine, which is basic and polar, with cysteine, which is neutral and slightly polar, at codon 88 of the KCNE3 protein (p.Arg88Cys). This variant is present in population databases (rs763157740, gnomAD 0.003%). This variant has not been reported in the literature in individuals affected with KCNE3-related conditions. ClinVar contains an entry for this variant (Variation ID: 538117). An algorithm developed to predict the effect of missense changes on protein structure and function (PolyPhen-2) suggests that this variant is likely to be disruptive. In summary, the available evidence is currently insufficient to determine the role of this variant in disease. Therefore, it has been classified as a Variant of Uncertain Significance.

Fulgent Genetics
Classification: Uncertain significance for Brugada syndrome 6. Last evaluated: 2021-12-03. Review status: criteria provided, single submitter. Criteria: ACMG Guidelines, 2015. Collection method: clinical testing. Allele origin: unknown.

NM_005472.5(KCNE3):c.262C>T (p.Arg88Cys)

Gene: KCNE3 (potassium voltage-gated channel subfamily E regulatory subunit 3; minus strand). Cytogenetic location: 11q13.4.
Variant type: single nucleotide variant.
Coding change: c.262C>T on transcript NM_005472.5 (MANE Select); coding-DNA position 262, C replaced by T.
Protein change: p.Arg88Cys; replaces arginine 88 with cysteine.
Molecular consequence: missense variant.
Genome position (GRCh38, 1-based): chr11:74,457,302, G>A on the plus strand (C>T on the coding strand, the complement: KCNE3 is on the minus strand). VCF-style: chr11-74457302-G-A. GRCh37 (hg19) VCF-style: chr11-74168347-G-A.
Other names: short protein forms R88C.
Identifiers: ClinVar variation 538117 (VCV000538117.12), dbSNP rs763157740, ClinGen allele CA6184825.
Genomic context (GRCh38, chr11:74,457,302, plus strand): 5'-CCCTCTCGTGTTAGATCATAGACACACGGTTCTTGATATACACATGATAGGGGTCACTAC[G>A]CTTGTCCACTTTGCGGGAGCGGGTGTATCCCAGGATGAGGCTGCCCACAGTTACAGCAAA-3'
Protein context (NP_005463.1, residues 78-98): GYTRSRKVDK[Arg88Cys]SDPYHVYIKN